The following is an entry in ClinVar:

NM_024642.5(GALNT12):c.491C>A (p.Pro164Gln)

Gene: GALNT12 (polypeptide N-acetylgalactosaminyltransferase 12; plus strand). Cytogenetic location: 9q22.33.
Variant type: single nucleotide variant.
Coding change: c.491C>A on transcript NM_024642.5 (MANE Select); coding-DNA position 491, C replaced by A.
Protein change: p.Pro164Gln; replaces proline 164 with glutamine.
Molecular consequence: missense variant.
Genome position (GRCh38, 1-based): chr9:98,823,375, C>A. VCF-style: chr9-98823375-C-A. GRCh37 (hg19) VCF-style: chr9-101585657-C-A.
Other names: short protein forms P164Q.
Identifiers: ClinVar variation 940335 (VCV000940335.10), dbSNP rs775040546, ClinGen allele CA374216810.

ClinVar aggregate classification (germline): Uncertain significance. Review status: criteria provided, multiple submitters, no conflicts (2 of 4 stars). 2 submissions from 2 submitters: Uncertain significance (2). Last evaluated 2024-01-04.

gnomAD v4.1: 1 of 1,614,162 alleles (0.000062%); highest among the groups gnomAD compares: Middle Eastern, 0.016%; no homozygotes.

Submissions (2):

Labcorp Genetics (formerly Invitae), Labcorp
Classification: Uncertain significance. Last evaluated: 2024-01-04. Review status: criteria provided, single submitter. Criteria: Invitae Variant Classification Sherloc (09022015). Collection method: clinical testing. Allele origin: germline.
Comment: This sequence change replaces proline, which is neutral and non-polar, with glutamine, which is neutral and polar, at codon 164 of the GALNT12 protein (p.Pro164Gln). This variant is present in population databases (no rsID available, gnomAD no frequency). This variant has not been reported in the literature in individuals affected with GALNT12-related conditions. ClinVar contains an entry for this variant (Variation ID: 940335). Advanced modeling of protein sequence and biophysical properties (such as structural, functional, and spatial information, amino acid conservation, physicochemical variation, residue mobility, and thermodynamic stability) has been performed at Invitae for this missense variant, however the output from this modeling did not meet the statistical confidence thresholds required to predict the impact of this variant on GALNT12 protein function. In summary, the available evidence is currently insufficient to determine the role of this variant in disease. Therefore, it has been classified as a Variant of Uncertain Significance.

Blueprint Genetics
Classification: Uncertain significance. Last evaluated: 2023-04-21. Review status: criteria provided, single submitter. Criteria: ACMG Guidelines, 2015. Collection method: clinical testing. Allele origin: germline.